The following is an entry in ClinVar:

NM_001040142.2(SCN2A):c.2983G>A (p.Asp995Asn)

Gene: SCN2A (sodium voltage-gated channel alpha subunit 2; plus strand). Cytogenetic location: 2q24.3.
Variant type: single nucleotide variant.
Coding change: c.2983G>A on transcript NM_001040142.2 (MANE Select); coding-DNA position 2983, G replaced by A.
Protein change: p.Asp995Asn; replaces aspartic acid 995 with asparagine.
Molecular consequence: missense variant.
Genome position (GRCh38, 1-based): chr2:165,354,255, G>A. VCF-style: chr2-165354255-G-A. GRCh37 (hg19) VCF-style: chr2-166210765-G-A.
Other names: c.2983G>A, p.Asp995Asn (NM_001040143.2, NM_001371246.1, NM_001371247.1 and 1 more transcripts); short protein forms D995N.
Identifiers: ClinVar variation 2950354 (VCV002950354.3), dbSNP rs2468035680, ClinGen allele CA349019559.

ClinVar aggregate classification (germline): Uncertain significance (1 of 4 stars; one submission).

Conditions:
Developmental and epileptic encephalopathy, 11 (DEE11). Also called: Early infantile epileptic encephalopathy 11. Identifiers: Orphanet 1934, MedGen C3150987, MONDO:0013388, OMIM 613721.
Seizures, benign familial infantile, 3 (BFIS3). Also called: Familial neonatal seizures; CONVULSIONS, BENIGN FAMILIAL INFANTILE, 3. Identifiers: Orphanet 140927, Orphanet 306, MedGen C1843140, MONDO:0011904, OMIM 607745.

Submission:

Labcorp Genetics (formerly Invitae), Labcorp
Classification: Uncertain significance for Seizures, benign familial infantile, 3; Developmental and epileptic encephalopathy, 11. Last evaluated: 2025-09-09. Review status: criteria provided, single submitter. Criteria: Invitae Variant Classification Sherloc (09022015). Collection method: clinical testing. Allele origin: germline.
Comment: This sequence change replaces aspartic acid, which is acidic and polar, with asparagine, which is neutral and polar, at codon 995 of the SCN2A protein (p.Asp995Asn). This variant is not present in population databases (gnomAD no frequency). This variant has not been reported in the literature in individuals affected with SCN2A-related conditions. ClinVar contains an entry for this variant (Variation ID: 2950354). Invitae Evidence Modeling of protein sequence and biophysical properties (such as structural, functional, and spatial information, amino acid conservation, physicochemical variation, residue mobility, and thermodynamic stability) indicates that this missense variant is expected to disrupt SCN2A protein function with a positive predictive value of 95%. In summary, the available evidence is currently insufficient to determine the role of this variant in disease. Therefore, it has been classified as a Variant of Uncertain Significance.